The following is an entry in ClinVar:

ClinVar aggregate classification (germline): Uncertain significance (1 of 4 stars; one submission).

Conditions:
Developmental and epileptic encephalopathy, 30 (DEE30). Also called: Epileptic encephalopathy, early infantile, 30. Identifiers: MedGen C4225360, MONDO:0014595, OMIM 616341.

Submission:

Labcorp Genetics (formerly Invitae), Labcorp
Classification: Uncertain significance for Developmental and epileptic encephalopathy, 30. Last evaluated: 2022-08-23. Review status: criteria provided, single submitter. Criteria: Invitae Variant Classification Sherloc (09022015). Collection method: clinical testing. Allele origin: germline.
Comment: This sequence change replaces alanine, which is neutral and non-polar, with valine, which is neutral and non-polar, at codon 753 of the SIK1 protein (p.Ala753Val). This variant is present in population databases (no rsID available, gnomAD 0.02%). This variant has not been reported in the literature in individuals affected with SIK1-related conditions. ClinVar contains an entry for this variant (Variation ID: 1500908). Advanced modeling of protein sequence and biophysical properties (such as structural, functional, and spatial information, amino acid conservation, physicochemical variation, residue mobility, and thermodynamic stability) performed at Invitae indicates that this missense variant is not expected to disrupt SIK1 protein function. In summary, the available evidence is currently insufficient to determine the role of this variant in disease. Therefore, it has been classified as a Variant of Uncertain Significance.

NM_173354.5(SIK1):c.2258C>T (p.Ala753Val)

Gene: SIK1 (salt inducible kinase 1; minus strand). Cytogenetic location: 21q22.3.
Variant type: single nucleotide variant.
Coding change: c.2258C>T on transcript NM_173354.5 (MANE Select); coding-DNA position 2258, C replaced by T.
Protein change: p.Ala753Val; replaces alanine 753 with valine.
Molecular consequence: missense variant.
Genome position (GRCh38, 1-based): chr21:43,416,836, G>A on the plus strand (C>T on the coding strand, the complement: SIK1 is on the minus strand). VCF-style: chr21-43416836-G-A. GRCh37 (hg19) VCF-style: chr21-44836716-G-A.
Other names: short protein forms A753V.
Identifiers: ClinVar variation 1500908 (VCV001500908.8), dbSNP rs1444363139, ClinGen allele CA410606354.